The following is an entry in ClinVar:

NM_001035.3(RYR2):c.2138G>T (p.Trp713Leu)

Gene: RYR2 (ryanodine receptor 2; plus strand). Cytogenetic location: 1q43.
Variant type: single nucleotide variant.
Coding change: c.2138G>T on transcript NM_001035.3 (MANE Select); coding-DNA position 2138, G replaced by T.
Protein change: p.Trp713Leu; replaces tryptophan 713 with leucine.
Molecular consequence: missense variant.
Genome position (GRCh38, 1-based): chr1:237,496,687, G>T. VCF-style: chr1-237496687-G-T. GRCh37 (hg19) VCF-style: chr1-237659987-G-T.
Other names: short protein forms W713L.
Identifiers: ClinVar variation 924937 (VCV000924937.5), dbSNP rs1553473238, ClinGen allele CA345392098.

ClinVar aggregate classification (germline): Uncertain significance (1 of 4 stars; one submission).

Conditions:
Cardiomyopathy (CMYO). Also called: Cardiomyopathies. Identifiers: Orphanet 167848, MedGen C0878544, MONDO:0004994, HP:0001638. Inheritance: Various modes of inheritance.

gnomAD v4.1: 2 of 1,613,926 alleles (0.00012%); highest among the groups gnomAD compares: Admixed American, 0.0017%; no homozygotes.

Submission:

Color Diagnostics, LLC DBA Color Health
Classification: Uncertain significance for Cardiomyopathy. Last evaluated: 2023-12-05. Review status: criteria provided, single submitter. Criteria: ACMG Guidelines, 2015. Collection method: clinical testing. Allele origin: germline.
Comment: This missense variant replaces tryptophan with leucine at codon 713 of the RYR2 protein. Computational prediction tools and conservation analyses suggest that this variant may have deleterious impact on the protein function. Computational splicing tools suggest that this variant may not impact RNA splicing. To our knowledge, functional assays have not been performed for this variant nor has this variant been reported in individuals affected with cardiovascular disorders in the literature. This variant has not been identified in the general population by the Genome Aggregation Database (gnomAD). Available evidence is insufficient to determine the role of this variant in disease conclusively. Therefore, this variant is classified as a Variant of Uncertain Significance.